The following is an entry in ClinVar:

ClinVar aggregate classification (germline): Uncertain significance (1 of 4 stars; one submission).

Allele frequency attached by ClinVar (database versions not stated): gnomAD 0.00001.
gnomAD v4.1: 2 of 1,613,340 alleles (0.00012%); highest among the groups gnomAD compares: African/African-American, 0.0027%; no homozygotes.

Submission:

Labcorp Genetics (formerly Invitae), Labcorp
Classification: Uncertain significance. Last evaluated: 2022-08-21. Review status: criteria provided, single submitter. Criteria: Invitae Variant Classification Sherloc (09022015). Collection method: clinical testing. Allele origin: germline.
Comment: This sequence change affects codon 183 of the TCF3 mRNA. It is a 'silent' change, meaning that it does not change the encoded amino acid sequence of the TCF3 protein. This variant also falls at the last nucleotide of exon 8, which is part of the consensus splice site for this exon. This variant is not present in population databases (gnomAD no frequency). This variant has not been reported in the literature in individuals affected with TCF3-related conditions. Variants that disrupt the consensus splice site are a relatively common cause of aberrant splicing (PMID: 17576681, 9536098). Algorithms developed to predict the effect of sequence changes on RNA splicing suggest that this variant may create or strengthen a splice site. In summary, the available evidence is currently insufficient to determine the role of this variant in disease. Therefore, it has been classified as a Variant of Uncertain Significance.

Literature cited by the submitters: PubMed 17576681; PubMed 9536098.

NM_003200.5(TCF3):c.549G>C (p.Ser183=)

Gene: TCF3 (transcription factor 3; minus strand). Cytogenetic location: 19p13.3.
Variant type: single nucleotide variant.
Coding change: c.549G>C on transcript NM_003200.5 (MANE Select); coding-DNA position 549, G replaced by C.
Protein change: p.Ser183=; no amino-acid change (serine 183 retained).
Molecular consequence: synonymous variant.
Genome position (GRCh38, 1-based): chr19:1,623,951, C>G on the plus strand (G>C on the coding strand, the complement: TCF3 is on the minus strand). VCF-style: chr19-1623951-C-G. GRCh37 (hg19) VCF-style: chr19-1623950-C-G.
Other names: c.549G>C, p.Ser183= (NM_001136139.4, NM_001351778.2, NM_001351779.2).
Identifiers: ClinVar variation 2025853 (VCV002025853.4), dbSNP rs1172077043, ClinGen allele CA504755527.